The following is an entry in ClinVar:

NM_000400.4(ERCC2):c.2030T>C (p.Met677Thr)

Gene: ERCC2 (ERCC excision repair 2, TFIIH core complex helicase subunit; minus strand). Cytogenetic location: 19q13.32.
Variant type: single nucleotide variant.
Coding change: c.2030T>C on transcript NM_000400.4 (MANE Select); coding-DNA position 2030, T replaced by C.
Protein change: p.Met677Thr; replaces methionine 677 with threonine.
Molecular consequence: missense variant.
Genome position (GRCh38, 1-based): chr19:45,352,522, A>G on the plus strand (T>C on the coding strand, the complement: ERCC2 is on the minus strand). VCF-style: chr19-45352522-A-G. GRCh37 (hg19) VCF-style: chr19-45855780-A-G.
Other names: short protein forms M677T.
Identifiers: ClinVar variation 1784760 (VCV001784760.3), dbSNP rs1971844157, ClinGen allele CA406362791.
Genomic context (GRCh38, chr19:45,352,522, plus strand): 5'-TTGGAGCCTGGGATGGGAGCACAGGGGCACCCCTGAAGCTGCACCTTGTCGGCAAAGACC[A>G]TGAGGCCGTAGTCCGTCTTGCCCCTGATGGCCCGACCCACACACTGGGCCGCGTGGCGCA-3'
Protein context (NP_000391.1, residues 667-687): AIRGKTDYGL[Met677Thr]VFADKRFARG

ClinVar aggregate classification (germline): Uncertain significance. Review status: criteria provided, multiple submitters, no conflicts (2 of 4 stars). 2 submissions from 2 submitters: Uncertain significance (2). Last evaluated 2025-02-23.

Conditions:
Inborn genetic diseases. Identifiers: MedGen C0950123, MeSH D030342.

Allele frequency attached by ClinVar (database versions not stated): TOPMed below 0.00001.

Submissions (2):

GeneDx
Classification: Uncertain significance. Last evaluated: 2025-02-23. Review status: criteria provided, single submitter. Criteria: GeneDx Variant Classification Process June 2021. Collection method: clinical testing. Allele origin: germline. Affected: yes.
Comment: Not observed at significant frequency in large population cohorts (gnomAD); In silico analysis supports that this missense variant has a deleterious effect on protein structure/function; Has not been previously published as pathogenic or benign to our knowledge

Ambry Genetics
Classification: Uncertain significance for Inborn genetic diseases. Last evaluated: 2022-02-12. Review status: criteria provided, single submitter. Criteria: Ambry Variant Classification Scheme 2023. Collection method: clinical testing. Allele origin: germline.
Comment: The p.M677T variant (also known as c.2030T>C), located in coding exon 21 of the ERCC2 gene, results from a T to C substitution at nucleotide position 2030. The methionine at codon 677 is replaced by threonine, an amino acid with similar properties. This amino acid position is conserved. In addition, this alteration is predicted to be deleterious by in silico analysis. Since supporting evidence is limited at this time, the clinical significance of this alteration remains unclear.